The following is an entry in ClinVar:

ClinVar aggregate classification (germline): Uncertain significance (1 of 4 stars; one submission).

gnomAD v4.1: 6 of 1,614,128 alleles (0.00037%); highest among the groups gnomAD compares: South Asian, 0.0044%; no homozygotes.

Submission:

Labcorp Genetics (formerly Invitae), Labcorp
Classification: Uncertain significance. Last evaluated: 2024-12-31. Review status: criteria provided, single submitter. Criteria: Invitae Variant Classification Sherloc (09022015). Collection method: clinical testing. Allele origin: germline.
Comment: This sequence change replaces tyrosine, which is neutral and polar, with cysteine, which is neutral and slightly polar, at codon 192 of the ITGB3 protein (p.Tyr192Cys). This variant is present in population databases (rs777168504, gnomAD 0.003%). This variant has not been reported in the literature in individuals affected with ITGB3-related conditions. Invitae Evidence Modeling of protein sequence and biophysical properties (such as structural, functional, and spatial information, amino acid conservation, physicochemical variation, residue mobility, and thermodynamic stability) indicates that this missense variant is expected to disrupt ITGB3 protein function with a positive predictive value of 95%. In summary, the available evidence is currently insufficient to determine the role of this variant in disease. Therefore, it has been classified as a Variant of Uncertain Significance.

NM_000212.3(ITGB3):c.575A>G (p.Tyr192Cys)

Gene: ITGB3 (integrin subunit beta 3; plus strand). Cytogenetic location: 17q21.32.
Variant type: single nucleotide variant.
Coding change: c.575A>G on transcript NM_000212.3 (MANE Select); coding-DNA position 575, A replaced by G.
Protein change: p.Tyr192Cys; replaces tyrosine 192 with cysteine.
Molecular consequence: missense variant.
Genome position (GRCh38, 1-based): chr17:47,284,656, A>G. VCF-style: chr17-47284656-A-G. GRCh37 (hg19) VCF-style: chr17-45362022-A-G.
Other names: short protein forms Y192C.
Identifiers: ClinVar variation 3718938 (VCV003718938.2).